The following is an entry in ClinVar:

NM_003919.3(SGCE):c.788G>A (p.Arg263His)

Genes: CASD1 (CAS1 domain sialic acid O acetyltransferase 1; plus strand), SGCE (sarcoglycan epsilon; minus strand). Cytogenetic location: 7q21.3.
Variant type: single nucleotide variant.
Coding change: c.788G>A on transcript NM_003919.3 (MANE Select); coding-DNA position 788, G replaced by A.
Protein change: p.Arg263His; replaces arginine 263 with histidine.
Molecular consequence: missense variant.
Genome position (GRCh38, 1-based): chr7:94,603,327, C>T on the plus strand (G>A on the coding strand, the complement: SGCE is on the minus strand). VCF-style: chr7-94603327-C-T. GRCh37 (hg19) VCF-style: chr7-94232639-C-T.
Other names: c.788G>A, p.Arg263His (NM_001099400.2, NM_001099401.2, NM_001346717.2); c.665G>A, p.Arg222His (NM_001301139.2, NM_001362809.2); c.896G>A, p.Arg299His (NM_001346713.2, NM_001346715.2); c.701G>A, p.Arg234His (NM_001346719.2, NM_001362807.2); c.515G>A, p.Arg172His (NM_001346720.2, NM_001362808.2); short protein forms R222H, R234H, R299H, R172H, R263H.
Identifiers: ClinVar variation 847690 (VCV000847690.54), dbSNP rs375899729, ClinGen allele CA4348724.
Genomic context (GRCh38, chr7:94,603,327, plus strand): 5'-GCAAAAACAAAATAAAAACTTACCAATGAAATTTTGCACCAGTCAATGTAAAATTGAGTA[C>T]GAAATTTTTTATCACATGTTATTACAGGCTCCATTTCTTGACTACATCTCAATTGATTCT-3'
Protein context (NP_003910.1, residues 253-273): EPVITCDKKF[Arg263His]TQFYIDWCKI

ClinVar aggregate classification (germline): Conflicting classifications of pathogenicity. Review status: criteria provided, conflicting classifications (1 of 4 stars). 5 submissions from 5 submitters: Likely pathogenic (1); Uncertain significance (3); Likely benign (1). Last evaluated 2025-10-08.

Conditions:
Myoclonic dystonia 11 (DYT11). Also called: SGCE Myoclonus-Dystonia; Myoclonus-Dystonia; Myoclonic dystonia; Dystonia 11; Dystonia, alcohol responsive; Hereditary essential myoclonus. Identifiers: Orphanet 36899, MedGen C1834570, MONDO:0008044, OMIM 159900.
Movement disorder. Also called: Movement disorders; Abnormality of movement. Identifiers: MedGen C0026650, MONDO:0005395, HP:0100022.
Inborn genetic diseases. Identifiers: MedGen C0950123, MeSH D030342.

Allele frequency attached by ClinVar (database versions not stated): ESP Exome Variant Server 0.00008; TOPMed 0.00013.
gnomAD v4.1: 303 of 1,612,452 alleles (0.019%); highest among the groups gnomAD compares: Non-Finnish European, 0.025%; no homozygotes.

Submissions (5):

Labcorp Genetics (formerly Invitae), Labcorp
Classification: Uncertain significance for Myoclonic dystonia 11. Last evaluated: 2025-10-08. Review status: criteria provided, single submitter. Criteria: Invitae Variant Classification Sherloc (09022015). Collection method: clinical testing. Allele origin: germline.
Comment: This sequence change replaces arginine, which is basic and polar, with histidine, which is basic and polar, at codon 263 of the SGCE protein (p.Arg263His). This variant is present in population databases (rs375899729, gnomAD 0.01%). This variant has not been reported in the literature in individuals affected with SGCE-related conditions. ClinVar contains an entry for this variant (Variation ID: 847690). Invitae Evidence Modeling of protein sequence and biophysical properties (such as structural, functional, and spatial information, amino acid conservation, physicochemical variation, residue mobility, and thermodynamic stability) indicates that this missense variant is not expected to disrupt SGCE protein function with a negative predictive value of 80%. In summary, the available evidence is currently insufficient to determine the role of this variant in disease. Therefore, it has been classified as a Variant of Uncertain Significance.

CeGaT Center for Human Genetics Tuebingen
Classification: Likely benign. Last evaluated: 2025-05-01. Review status: criteria provided, single submitter. Criteria: CeGaT Center For Human Genetics Tuebingen Variant Classification Criteria Version 2. Collection method: clinical testing. Allele origin: germline. Affected: yes. Observed: 4 variant alleles.
Comment: SGCE: BS1

Ambry Genetics
Classification: Uncertain significance for Inborn genetic diseases. Last evaluated: 2024-04-26. Review status: criteria provided, single submitter. Criteria: Ambry Variant Classification Scheme 2023. Collection method: clinical testing. Allele origin: germline.

Unidad de Genómica Garrahan, Hospital de Pediatría Garrahan
Classification: Likely pathogenic for Movement disorder. Last evaluated: 2024-01-11. Review status: criteria provided, single submitter. Criteria: ACMG Guidelines, 2015. Collection method: clinical testing. Allele origin: germline. Affected: yes.

Revvity Omics, Revvity
Classification: Uncertain significance for Myoclonic dystonia 11. Last evaluated: 2019-11-17. Review status: criteria provided, single submitter. Criteria: ACMG Guidelines, 2015. Collection method: clinical testing. Allele origin: germline.